The following is an entry in ClinVar:

NM_000264.5(PTCH1):c.4001G>T (p.Ser1334Ile)

Gene: PTCH1 (patched 1; minus strand). Cytogenetic location: 9q22.32.
Variant type: single nucleotide variant.
Coding change: c.4001G>T on transcript NM_000264.5 (MANE Select); coding-DNA position 4001, G replaced by T.
Protein change: p.Ser1334Ile; replaces serine 1334 with isoleucine.
Molecular consequence: missense variant. On other transcripts: non-coding transcript variant (1).
Genome position (GRCh38, 1-based): chr9:95,447,255, C>A on the plus strand (G>T on the coding strand, the complement: PTCH1 is on the minus strand). VCF-style: chr9-95447255-C-A. GRCh37 (hg19) VCF-style: chr9-98209537-C-A.
Other names: c.3803G>T, p.Ser1268Ile (NM_001083602.3); c.3998G>T, p.Ser1333Ile (NM_001083603.3); c.3548G>T, p.Ser1183Ile (NM_001083604.3, NM_001083605.3, NM_001083606.3 and 1 more transcripts); c.3845G>T, p.Ser1282Ile (NM_001354918.2); short protein forms S1334I, S1333I, S1282I, S1183I, S1268I.
Identifiers: ClinVar variation 3427350 (VCV003427350.3).
Genomic context (GRCh38, chr9:95,447,255, plus strand): 5'-GACGCTGGGTTCCGAGGGTTGTGAGAACGGGCCCCGCGAGGGCCCCAGCGGGCCCTATTG[C>A]TAGGGCCAGAATGCCCTTCAGTAGAAATTTCAAAAGCGTCTCTGCGCGGTCTGTAGGGGG-3'
Protein context (NP_000255.2, residues 1324-1344): EISTEGHSGP[Ser1334Ile]NRARWGPRGA

ClinVar aggregate classification (germline): Uncertain significance. Review status: criteria provided, multiple submitters, no conflicts (2 of 4 stars). 2 submissions from 2 submitters: Uncertain significance (2). Last evaluated 2026-02-10.

Conditions:
Hereditary cancer-predisposing syndrome. Also called: Neoplastic Syndromes, Hereditary; Hereditary Cancer Syndrome; Hereditary neoplastic syndrome; Tumor predisposition. Identifiers: Orphanet 140162, MedGen C0027672, MeSH D009386, MONDO:0015356.
Gorlin syndrome. Also called: Nevoid Basal Cell Carcinoma Syndrome; Basal cell nevus syndrome. Identifiers: Orphanet 377, MedGen C0004779, MONDO:0007187.

Submissions (2):

Ambry Genetics
Classification: Uncertain significance for Hereditary cancer-predisposing syndrome. Last evaluated: 2026-02-10. Review status: criteria provided, single submitter. Criteria: Ambry Variant Classification Scheme 2023. Collection method: clinical testing. Allele origin: germline.
Comment: The p.S1334I variant (also known as c.4001G>T), located in coding exon 23 of the PTCH1 gene, results from a G to T substitution at nucleotide position 4001. The serine at codon 1334 is replaced by isoleucine, an amino acid with dissimilar properties. This amino acid position is not well conserved in available vertebrate species. In addition, the in silico prediction for this alteration is inconclusive. Based on the available evidence, the clinical significance of this variant remains unclear.

Labcorp Genetics (formerly Invitae), Labcorp
Classification: Uncertain significance for Gorlin syndrome. Last evaluated: 2025-05-19. Review status: criteria provided, single submitter. Criteria: Invitae Variant Classification Sherloc (09022015). Collection method: clinical testing. Allele origin: germline.
Comment: This sequence change replaces serine, which is neutral and polar, with isoleucine, which is neutral and non-polar, at codon 1334 of the PTCH1 protein (p.Ser1334Ile). This variant is not present in population databases (gnomAD no frequency). This variant has not been reported in the literature in individuals affected with PTCH1-related conditions. ClinVar contains an entry for this variant (Variation ID: 3427350). Invitae Evidence Modeling of protein sequence and biophysical properties (such as structural, functional, and spatial information, amino acid conservation, physicochemical variation, residue mobility, and thermodynamic stability) has been performed for this missense variant. However, the output from this modeling did not meet the statistical confidence thresholds required to predict the impact of this variant on PTCH1 protein function. In summary, the available evidence is currently insufficient to determine the role of this variant in disease. Therefore, it has been classified as a Variant of Uncertain Significance.